The following is an entry in ClinVar:

NM_000384.3(APOB):c.7511C>T (p.Ser2504Phe)

Gene: APOB (apolipoprotein B; minus strand). Cytogenetic location: 2p24.1.
Variant type: single nucleotide variant.
Coding change: c.7511C>T on transcript NM_000384.3 (MANE Select); coding-DNA position 7511, C replaced by T.
Protein change: p.Ser2504Phe; replaces serine 2504 with phenylalanine.
Molecular consequence: missense variant.
Genome position (GRCh38, 1-based): chr2:21,009,357, G>A on the plus strand (C>T on the coding strand, the complement: APOB is on the minus strand). VCF-style: chr2-21009357-G-A. GRCh37 (hg19) VCF-style: chr2-21232229-G-A.
Other names: short protein forms S2504F.
Identifiers: ClinVar variation 3231451 (VCV003231451.1), dbSNP rs2465368685, ClinGen allele CA345996994.

ClinVar aggregate classification (germline): Uncertain significance (1 of 4 stars; one submission).

Conditions:
Cardiovascular phenotype. Identifiers: MedGen CN230736.

Allele frequency attached by ClinVar (database versions not stated): gnomAD exomes below 0.00001.
gnomAD v4.1: 3 of 1,614,128 alleles (0.00019%); highest among the groups gnomAD compares: Non-Finnish European, 0.00025%; no homozygotes.

Submission:

Ambry Genetics
Classification: Uncertain significance for Cardiovascular phenotype. Last evaluated: 2024-03-08. Review status: criteria provided, single submitter. Criteria: Ambry Variant Classification Scheme 2023. Collection method: clinical testing. Allele origin: germline.
Comment: The p.S2504F variant (also known as c.7511C>T), located in coding exon 26 of the APOB gene, results from a C to T substitution at nucleotide position 7511. The serine at codon 2504 is replaced by phenylalanine, an amino acid with highly dissimilar properties. This amino acid position is conserved. In addition, this alteration is predicted to be tolerated by in silico analysis. Based on the available evidence, the clinical significance of this alteration remains unclear.